The following is an entry in ClinVar:

NM_006031.6(PCNT):c.4605G>T (p.Lys1535Asn)

Gene: PCNT (pericentrin; plus strand). Cytogenetic location: 21q22.3.
Variant type: single nucleotide variant.
Coding change: c.4605G>T on transcript NM_006031.6 (MANE Select); coding-DNA position 4605, G replaced by T.
Protein change: p.Lys1535Asn; replaces lysine 1535 with asparagine.
Molecular consequence: missense variant.
Genome position (GRCh38, 1-based): chr21:46,399,610, G>T. VCF-style: chr21-46399610-G-T. GRCh37 (hg19) VCF-style: chr21-47819524-G-T.
Other names: c.4251G>T, p.Lys1417Asn (NM_001315529.2); short protein forms K1535N, K1417N.
Identifiers: ClinVar variation 340494 (VCV000340494.6), dbSNP rs775413533, ClinGen allele CA10079738.

ClinVar aggregate classification (germline): Uncertain significance. Review status: criteria provided, multiple submitters, no conflicts (2 of 4 stars). 2 submissions from 2 submitters: Uncertain significance (2). Last evaluated 2022-10-25.

Conditions:
Microcephalic osteodysplastic primordial dwarfism type II (MOPD2). Also called: Microcephalic osteodysplastic primordial dwarfism with tooth abnormalities; MOPD II; OSTEODYSPLASTIC PRIMORDIAL DWARFISM, TYPE II. Identifiers: Orphanet 2637, MedGen C0432246, MONDO:0008872, OMIM 210720.

Allele frequency attached by ClinVar (database versions not stated): gnomAD exomes 0.00002 and 0.00006; TOPMed 0.00003; gnomAD 0.00006; ExAC 0.00007.
gnomAD v4.1: 44 of 1,613,408 alleles (0.0027%); highest among the groups gnomAD compares: East Asian, 0.094%; 1 homozygote.

Submissions (2):

Labcorp Genetics (formerly Invitae), Labcorp
Classification: Uncertain significance. Last evaluated: 2022-10-25. Review status: criteria provided, single submitter. Criteria: Invitae Variant Classification Sherloc (09022015). Collection method: clinical testing. Allele origin: germline.
Comment: This sequence change replaces lysine, which is basic and polar, with asparagine, which is neutral and polar, at codon 1535 of the PCNT protein (p.Lys1535Asn). This variant is present in population databases (rs775413533, gnomAD 0.1%). This variant has not been reported in the literature in individuals affected with PCNT-related conditions. ClinVar contains an entry for this variant (Variation ID: 340494). Algorithms developed to predict the effect of missense changes on protein structure and function are either unavailable or do not agree on the potential impact of this missense change (SIFT: "Tolerated"; PolyPhen-2: "Possibly Damaging"; Align-GVGD: "Class C0"). In summary, the available evidence is currently insufficient to determine the role of this variant in disease. Therefore, it has been classified as a Variant of Uncertain Significance.

Illumina Laboratory Services, Illumina
Classification: Uncertain significance for Microcephalic osteodysplastic primordial dwarfism type II. Last evaluated: 2018-01-12. Review status: criteria provided, single submitter. Criteria: ICSL Variant Classification Criteria 13 December 2019. Collection method: clinical testing. Allele origin: germline.